The following is an entry in ClinVar:

ClinVar aggregate classification (germline): Conflicting classifications of pathogenicity. Review status: criteria provided, conflicting classifications (1 of 4 stars). 11 submissions from 11 submitters: Uncertain significance (4); Likely benign (3). 4 of the submissions do not count toward it. Last evaluated 2026-02-02.

Conditions:
Primary ciliary dyskinesia. Also called: Ciliary dyskinesia. Identifiers: Orphanet 244, MedGen C0008780, MONDO:0016575, HP:0012265.
DNAH5-related disorder. Also called: DNAH5-related condition.
Primary ciliary dyskinesia 3. Identifiers: Orphanet 244, MedGen C1837618, MONDO:0012085, OMIM 608644.

Allele frequency attached by ClinVar (database versions not stated): ESP Exome Variant Server 0.00046; gnomAD exomes 0.00049 and 0.00087; gnomAD 0.00050 and 0.00051; TOPMed 0.00059; ExAC 0.00072.
gnomAD v4.1: 823 of 1,612,650 alleles (0.051%); highest among the groups gnomAD compares: Middle Eastern, 0.55%; 5 homozygotes.

Submissions (11):

Labcorp Genetics (formerly Invitae), Labcorp
Classification: Likely benign for Primary ciliary dyskinesia. Last evaluated: 2026-02-02. Review status: criteria provided, single submitter. Criteria: Invitae Variant Classification Sherloc (09022015). Collection method: clinical testing. Allele origin: germline.

Blueprint Genetics
Classification: Likely benign. Last evaluated: 2024-11-14. Review status: criteria provided, single submitter. Criteria: ACMG Guidelines, 2015. Collection method: clinical testing. Allele origin: germline.

Genomic Medicine Center of Excellence, King Faisal Specialist Hospital and Research Centre
Classification: Uncertain significance for Primary ciliary dyskinesia 3. Last evaluated: 2024-03-29. Review status: criteria provided, single submitter. Criteria: ACMG Guidelines, 2015. Collection method: clinical testing. Allele origin: germline.

ARUP Laboratories, Molecular Genetics and Genomics, ARUP Laboratories
Classification: Uncertain significance for Primary ciliary dyskinesia 3. Last evaluated: 2024-02-20. Review status: criteria provided, single submitter. Criteria: ARUP Molecular Germline Variant Investigation Process 2024. Collection method: clinical testing. Allele origin: germline.
Comment: The DNAH5 c.1198G>A; p.Val400Met variant (rs144575803) is reported in the literature in two siblings affected with tetralogy of Fallot (Izarzugaza 2020). This variant is reported in ClinVar (Variation ID: 219733) and is found in the general population with an overall allele frequency of 0.08% (226/282,092 alleles, including one homozygote) in the Genome Aggregation Database (v2.1.1). This is a missense variant in a highly conserved nucleotide at the first base of exon 10, and computational analyses (Alamut Visual Plus v.1.5.1) predict that this variant may impact splicing by weakening the canonical acceptor splice site. However, further study is needed to determine the functional impact. While the high population frequency suggests that this is likely a benign variant, given the limited clinical data and lack of functional data, the significance of this variant is uncertain at this time. References: Izarzugaza JMG et al. Systems genetics analysis identifies calcium-signaling defects as novel cause of congenital heart disease. Genome Med. 2020 Aug 28;12(1):76. PMID: 32859249.

Genome-Nilou Lab
Classification: Uncertain significance for Primary ciliary dyskinesia 3. Last evaluated: 2021-05-18. Review status: criteria provided, single submitter. Criteria: ACMG Guidelines, 2015. Collection method: clinical testing. Allele origin: germline. Affected: no.

Ambry Genetics
Classification: Likely benign for Primary ciliary dyskinesia. Last evaluated: 2019-03-02. Review status: criteria provided, single submitter. Criteria: Ambry Variant Classification Scheme 2023. Collection method: clinical testing. Allele origin: germline.

Illumina Laboratory Services, Illumina
Classification: Uncertain significance for Primary ciliary dyskinesia 3. Last evaluated: 2018-01-12. Review status: criteria provided, single submitter. Criteria: ICSL Variant Classification Criteria 13 December 2019. Collection method: clinical testing. Allele origin: germline.

PreventionGenetics, part of Exact Sciences
Classification: Likely benign for DNAH5-related condition. Last evaluated: 2021-02-09. Review status: no assertion criteria provided. Collection method: clinical testing. Allele origin: germline. Not counted in ClinVar's aggregate classification.
Comment: This variant is classified as likely benign based on ACMG/AMP sequence variant interpretation guidelines (Richards et al. 2015 PMID: 25741868, with internal and published modifications).

Natera, Inc.
Classification: Benign for Primary ciliary dyskinesia. Last evaluated: 2019-12-06. Review status: no assertion criteria provided. Collection method: clinical testing. Allele origin: germline. Not counted in ClinVar's aggregate classification.

Biochemical Molecular Genetic Laboratory, King Abdulaziz Medical City
Classification: Uncertain significance for Primary ciliary dyskinesia 3. Last evaluated: 2019-01-29. Review status: no assertion criteria provided. Collection method: clinical testing. Allele origin: germline. Affected: yes. Not counted in ClinVar's aggregate classification.

Counsyl
Classification: Uncertain significance for Primary ciliary dyskinesia 3. Last evaluated: 2017-05-18. Review status: no assertion criteria provided. Collection method: clinical testing. Allele origin: unknown. Not counted in ClinVar's aggregate classification.

NM_001369.3(DNAH5):c.1198G>A (p.Val400Met)

Gene: DNAH5 (dynein axonemal heavy chain 5; minus strand). Cytogenetic location: 5p15.2.
Variant type: single nucleotide variant.
Coding change: c.1198G>A on transcript NM_001369.3 (MANE Select); coding-DNA position 1198, G replaced by A.
Protein change: p.Val400Met; replaces valine 400 with methionine.
Molecular consequence: missense variant.
Genome position (GRCh38, 1-based): chr5:13,914,642, C>T on the plus strand (G>A on the coding strand, the complement: DNAH5 is on the minus strand). VCF-style: chr5-13914642-C-T. GRCh37 (hg19) VCF-style: chr5-13914751-C-T.
Other names: short protein forms V400M.
Identifiers: ClinVar variation 219733 (VCV000219733.29), dbSNP rs144575803, ClinGen allele CA350879.
Genomic context (GRCh38, chr5:13,914,642, plus strand): 5'-TGGAAGCGGTTCCATTATTGGTAATATAGGCTTTACATGCAGATATAATCTGATTTGTCA[C>T]CTGGGATTTTCCAATAAAATGATGTTAAGCACATAAAACAGCCATGGATTGTAAACTGGA-3'
Protein context (NP_001360.1, residues 390-410): SEKITSLFVK[Val400Met]TNQIISACKA